The following is an entry in ClinVar:

NM_018979.4(WNK1):c.2096A>G (p.Gln699Arg)

Gene: WNK1 (WNK lysine deficient protein kinase 1; plus strand). Cytogenetic location: 12p13.33.
Variant type: single nucleotide variant.
Coding change: c.2096A>G on transcript NM_018979.4 (MANE Select); coding-DNA position 2096, A replaced by G.
Protein change: p.Gln699Arg; replaces glutamine 699 with arginine.
Molecular consequence: missense variant.
Genome position (GRCh38, 1-based): chr12:862,227, A>G. VCF-style: chr12-862227-A-G. GRCh37 (hg19) VCF-style: chr12-971393-A-G.
Other names: c.2096A>G, p.Gln699Arg (NM_001184985.2, NM_014823.3, NM_213655.5); short protein forms Q699R.
Identifiers: ClinVar variation 3895994 (VCV003895994.1).

ClinVar aggregate classification (germline): Uncertain significance (1 of 4 stars; one submission).

Submission:

Women's Health and Genetics/Laboratory Corporation of America, LabCorp
Classification: Uncertain significance. Last evaluated: 2025-03-24. Review status: criteria provided, single submitter. Criteria: LabCorp Variant Classification Summary - May 2015. Collection method: clinical testing. Allele origin: germline.
Comment: Variant summary: WNK1 c.2096A>G (p.Gln699Arg) results in a conservative amino acid change in the encoded protein sequence. Four of five in-silico tools predict a benign effect of the variant on protein function. The variant was absent in 251314 control chromosomes. The available data on variant occurrences in the general population are insufficient to allow any conclusion about variant significance. To our knowledge, no occurrence of c.2096A>G in individuals affected with Neuropathy, hereditary sensory and autonomic, type 2A and no experimental evidence demonstrating its impact on protein function have been reported. No submitters have cited clinical-significance assessments for this variant to ClinVar. Based on the evidence outlined above, the variant was classified as uncertain significance.